The following is an entry in ClinVar:

NM_001130438.3(SPTAN1):c.7296G>A (p.Glu2432=)

Gene: SPTAN1 (spectrin alpha, non-erythrocytic 1; plus strand). Cytogenetic location: 9q34.11.
Variant type: single nucleotide variant.
Coding change: c.7296G>A on transcript NM_001130438.3 (MANE Select); coding-DNA position 7296, G replaced by A.
Protein change: p.Glu2432=; no amino-acid change (glutamic acid 2432 retained).
Molecular consequence: synonymous variant.
Genome position (GRCh38, 1-based): chr9:128,632,943, G>A. VCF-style: chr9-128632943-G-A. GRCh37 (hg19) VCF-style: chr9-131395222-G-A.
Other names: c.7221G>A, p.Glu2407= (NM_001195532.2); c.7359G>A, p.Glu2453= (NM_001363759.2); c.7236G>A, p.Glu2412= (NM_001363765.2, NM_001375314.2); c.7383G>A, p.Glu2461= (NM_001375310.1); c.7296G>A, p.Glu2432= (NM_001375311.2); c.7332G>A, p.Glu2444= (NM_001375312.2); c.7278G>A, p.Glu2426= (NM_001375313.1); c.7395G>A, p.Glu2465= (NM_001375318.1); and 1 more.
Identifiers: ClinVar variation 696469 (VCV000696469.28), dbSNP rs765393647, ClinGen allele CA5266048.

ClinVar aggregate classification (germline): Likely benign. Review status: criteria provided, multiple submitters, no conflicts (2 of 4 stars). 6 submissions from 6 submitters: Likely benign (5). 1 of the submissions does not count toward it. Last evaluated 2025-12-03.

Conditions:
SPTAN1-related disorder. Also called: SPTAN1-related disorders; SPTAN1-related condition.
Inborn genetic diseases. Identifiers: MedGen C0950123, MeSH D030342.
Early-infantile DEE. Also called: Ohtahara syndrome; Early infantile epileptic encephalopathy with suppression bursts; Early infantile epileptic encephalopathy. Identifiers: Orphanet 1934, MedGen C0393706, MONDO:0800491.

Allele frequency attached by ClinVar (database versions not stated): gnomAD 0.00010 and 0.00011; TOPMed 0.00011; 1000 Genomes Project 30x 0.00016; gnomAD exomes 0.00001 and 0.00002; ExAC 0.00003.
gnomAD v4.1: 27 of 1,612,654 alleles (0.0017%); highest among the groups gnomAD compares: African/African-American, 0.032%; no homozygotes.

Submissions (6):

Labcorp Genetics (formerly Invitae), Labcorp
Classification: Likely benign for Early-infantile DEE. Last evaluated: 2025-12-03. Review status: criteria provided, single submitter. Criteria: Invitae Variant Classification Sherloc (09022015). Collection method: clinical testing. Allele origin: germline.

CeGaT Center for Human Genetics Tuebingen
Classification: Likely benign. Last evaluated: 2025-05-01. Review status: criteria provided, single submitter. Criteria: CeGaT Center For Human Genetics Tuebingen Variant Classification Criteria Version 2. Collection method: clinical testing. Allele origin: germline. Affected: yes. Observed: 1 variant allele.
Comment: SPTAN1: BP4, BP7

GeneDx
Classification: Likely benign. Last evaluated: 2019-03-05. Review status: criteria provided, single submitter. Criteria: GeneDx Variant Classification Process June 2021. Collection method: clinical testing. Allele origin: germline. Affected: yes.

Ambry Genetics
Classification: Likely benign for Inborn genetic diseases. Last evaluated: 2018-07-10. Review status: criteria provided, single submitter. Criteria: Ambry Variant Classification Scheme 2023. Collection method: clinical testing. Allele origin: germline.

Breakthrough Genomics
Classification: Likely benign. Review status: criteria provided, single submitter. Criteria: ACMG Guidelines, 2015. Collection method: not provided. Allele origin: germline. Inheritance: Autosomal dominant inheritance. Affected: yes.

PreventionGenetics, part of Exact Sciences
Classification: Likely benign for SPTAN1-related condition. Last evaluated: 2023-07-18. Review status: no assertion criteria provided. Collection method: clinical testing. Allele origin: germline. Not counted in ClinVar's aggregate classification.
Comment: This variant is classified as likely benign based on ACMG/AMP sequence variant interpretation guidelines (Richards et al. 2015 PMID: 25741868, with internal and published modifications).